The following is an entry in ClinVar:

ClinVar aggregate classification (germline): Uncertain significance (1 of 4 stars; one submission).

Conditions:
Werner syndrome (WRN). Identifiers: Orphanet 902, MedGen C0043119, MONDO:0010196, OMIM 277700.

gnomAD v4.1: 1 of 1,612,902 alleles (0.000062%); highest among the groups gnomAD compares: Non-Finnish European, 0.000085%; no homozygotes.

Submission:

Labcorp Genetics (formerly Invitae), Labcorp
Classification: Uncertain significance for Werner syndrome. Last evaluated: 2025-03-31. Review status: criteria provided, single submitter. Criteria: Invitae Variant Classification Sherloc (09022015). Collection method: clinical testing. Allele origin: germline.
Comment: This sequence change replaces leucine, which is neutral and non-polar, with phenylalanine, which is neutral and non-polar, at codon 598 of the WRN protein (p.Leu598Phe). This variant is not present in population databases (gnomAD no frequency). This variant has not been reported in the literature in individuals affected with WRN-related conditions. An algorithm developed to predict the effect of missense changes on protein structure and function (PolyPhen-2) suggests that this variant is likely to be disruptive. In summary, the available evidence is currently insufficient to determine the role of this variant in disease. Therefore, it has been classified as a Variant of Uncertain Significance.

NM_000553.6(WRN):c.1792C>T (p.Leu598Phe)

Gene: WRN (WRN RecQ like helicase; plus strand). Cytogenetic location: 8p12.
Variant type: single nucleotide variant.
Coding change: c.1792C>T on transcript NM_000553.6 (MANE Select); coding-DNA position 1792, C replaced by T.
Protein change: p.Leu598Phe; replaces leucine 598 with phenylalanine.
Molecular consequence: missense variant.
Genome position (GRCh38, 1-based): chr8:31,090,905, C>T. VCF-style: chr8-31090905-C-T. GRCh37 (hg19) VCF-style: chr8-30948421-C-T.
Other names: short protein forms L598F.
Identifiers: ClinVar variation 3666885 (VCV003666885.2).